The following is an entry in ClinVar:

ClinVar aggregate classification (germline): Conflicting classifications of pathogenicity. Review status: criteria provided, conflicting classifications (1 of 4 stars). 2 submissions from 2 submitters: Uncertain significance (1); Benign (1). Last evaluated 2026-01-23.

Submissions (2):

Women's Health and Genetics/Laboratory Corporation of America, LabCorp
Classification: Uncertain significance. Last evaluated: 2026-01-23. Review status: criteria provided, single submitter. Criteria: LabCorp Variant Classification Summary - May 2015. Collection method: clinical testing. Allele origin: germline.
Comment: Variant summary: DPF2 c.1129C>G (p.Leu377Val) results in a conservative amino acid change in the encoded protein sequence. Algorithms developed to predict the effect of missense changes on protein structure and function are either unavailable or do not agree on the potential impact of this missense change. The variant was absent in 251478 control chromosomes. The available data on variant occurrences in the general population are insufficient to allow any conclusion about variant significance. To our knowledge, no occurrence of c.1129C>G in individuals affected with DPF2-related conditions and no experimental evidence demonstrating its impact on protein function have been reported. ClinVar contains an entry for this variant (Variation ID: 2017631). Based on the evidence outlined above, the variant was classified as uncertain significance.

Labcorp Genetics (formerly Invitae), Labcorp
Classification: Benign. Last evaluated: 2022-11-01. Review status: criteria provided, single submitter. Criteria: Invitae Variant Classification Sherloc (09022015). Collection method: clinical testing. Allele origin: germline.

NM_006268.5(DPF2):c.1129C>G (p.Leu377Val)

Gene: DPF2 (double PHD fingers 2; plus strand). Cytogenetic location: 11q13.1.
Variant type: single nucleotide variant.
Coding change: c.1129C>G on transcript NM_006268.5 (MANE Select); coding-DNA position 1129, C replaced by G.
Protein change: p.Leu377Val; replaces leucine 377 with valine.
Molecular consequence: missense variant.
Genome position (GRCh38, 1-based): chr11:65,351,712, C>G. VCF-style: chr11-65351712-C-G. GRCh37 (hg19) VCF-style: chr11-65119183-C-G.
Other names: c.1171C>G, p.Leu391Val (NM_001330308.2); short protein forms L391V, L377V.
Identifiers: ClinVar variation 2017631 (VCV002017631.5), dbSNP rs1854701811, ClinGen allele CA381234015.